The following is an entry in ClinVar:

NM_032620.4(GTPBP3):c.202C>T (p.Pro68Ser)

Gene: GTPBP3 (GTP binding protein 3, mitochondrial; plus strand). Cytogenetic location: 19p13.11.
Variant type: single nucleotide variant.
Coding change: c.202C>T on transcript NM_032620.4 (MANE Select); coding-DNA position 202, C replaced by T.
Protein change: p.Pro68Ser; replaces proline 68 with serine.
Molecular consequence: missense variant.
Genome position (GRCh38, 1-based): chr19:17,338,156, C>T. VCF-style: chr19-17338156-C-T. GRCh37 (hg19) VCF-style: chr19-17448965-C-T.
Other names: c.202C>T, p.Pro68Ser (NM_001128855.3, NM_133644.4); c.268C>T, p.Pro90Ser (NM_001195422.1); c.202C>T (NM_133644.3); short protein forms P68S, P90S.
Identifiers: ClinVar variation 1497881 (VCV001497881.4), dbSNP rs992220858, ClinGen allele CA306061150.

ClinVar aggregate classification (germline): Uncertain significance. Review status: criteria provided, multiple submitters, no conflicts (2 of 4 stars). 2 submissions from 2 submitters: Uncertain significance (2). Last evaluated 2024-09-26.

Conditions:
Inborn genetic diseases. Identifiers: MedGen C0950123, MeSH D030342.

Allele frequency attached by ClinVar (database versions not stated): gnomAD exomes below 0.00001 and 0.00001; gnomAD 0.00001; TOPMed 0.00001.

Submissions (2):

Ambry Genetics
Classification: Uncertain significance for Inborn genetic diseases. Last evaluated: 2024-09-26. Review status: criteria provided, single submitter. Criteria: Ambry Variant Classification Scheme 2023. Collection method: clinical testing. Allele origin: germline.

Labcorp Genetics (formerly Invitae), Labcorp
Classification: Uncertain significance. Last evaluated: 2022-06-05. Review status: criteria provided, single submitter. Criteria: Invitae Variant Classification Sherloc (09022015). Collection method: clinical testing. Allele origin: germline.
Comment: This sequence change replaces proline, which is neutral and non-polar, with serine, which is neutral and polar, at codon 68 of the GTPBP3 protein (p.Pro68Ser). The frequency data for this variant in the population databases is considered unreliable, as metrics indicate poor data quality at this position in the gnomAD database. This variant has not been reported in the literature in individuals affected with GTPBP3-related conditions. ClinVar contains an entry for this variant (Variation ID: 1497881). Algorithms developed to predict the effect of missense changes on protein structure and function output the following: SIFT: "Tolerated"; PolyPhen-2: "Benign"; Align-GVGD: "Class C0". The serine amino acid residue is found in multiple mammalian species, which suggests that this missense change does not adversely affect protein function. In summary, the available evidence is currently insufficient to determine the role of this variant in disease. Therefore, it has been classified as a Variant of Uncertain Significance.